The following is an entry in ClinVar:

ClinVar aggregate classification (germline): Uncertain significance. Review status: criteria provided, multiple submitters, no conflicts (2 of 4 stars). 2 submissions from 2 submitters: Uncertain significance (2). Last evaluated 2023-04-24.

Allele frequency attached by ClinVar (database versions not stated): ExAC 0.00001; gnomAD 0.00001; gnomAD exomes 0.00001; TOPMed 0.00001.

Submissions (2):

Ambry Genetics
Classification: Uncertain significance. Last evaluated: 2023-04-24. Review status: criteria provided, single submitter. Criteria: Ambry Variant Classification Scheme 2023. Collection method: clinical testing. Allele origin: germline.

Labcorp Genetics (formerly Invitae), Labcorp
Classification: Uncertain significance. Last evaluated: 2021-10-18. Review status: criteria provided, single submitter. Criteria: Invitae Variant Classification Sherloc (09022015). Collection method: clinical testing. Allele origin: germline.
Comment: This sequence change replaces valine with isoleucine at codon 516 of the IMPG1 protein (p.Val516Ile). The valine residue is weakly conserved and there is a small physicochemical difference between valine and isoleucine. This variant is present in population databases (rs763189552, ExAC 0.01%). This variant has not been reported in the literature in individuals affected with IMPG1-related conditions. Algorithms developed to predict the effect of missense changes on protein structure and function output the following: SIFT: "Tolerated"; PolyPhen-2: "Benign"; Align-GVGD: "Class C0". The isoleucine amino acid residue is found in multiple mammalian species, which suggests that this missense change does not adversely affect protein function. In summary, the available evidence is currently insufficient to determine the role of this variant in disease. Therefore, it has been classified as a Variant of Uncertain Significance.

NM_001563.4(IMPG1):c.1546G>A (p.Val516Ile)

Gene: IMPG1 (interphotoreceptor matrix proteoglycan 1; minus strand). Cytogenetic location: 6q14.1.
Variant type: single nucleotide variant.
Coding change: c.1546G>A on transcript NM_001563.4 (MANE Select); coding-DNA position 1546, G replaced by A.
Protein change: p.Val516Ile; replaces valine 516 with isoleucine.
Molecular consequence: missense variant.
Genome position (GRCh38, 1-based): chr6:75,950,840, C>T on the plus strand (G>A on the coding strand, the complement: IMPG1 is on the minus strand). VCF-style: chr6-75950840-C-T. GRCh37 (hg19) VCF-style: chr6-76660557-C-T.
Other names: c.1312G>A, p.Val438Ile (NM_001282368.2); c.1546G>A (NM_001563.2); short protein forms V438I, V516I.
Identifiers: ClinVar variation 970515 (VCV000970515.9), dbSNP rs763189552, ClinGen allele CA3898096.